The following is an entry in ClinVar:

ClinVar aggregate classification (germline): Uncertain significance (1 of 4 stars; one submission).

Conditions:
Catecholaminergic polymorphic ventricular tachycardia (CVPT). Also called: Catecholamine-induced polymorphic ventricular tachycardia. Identifiers: Orphanet 3286, MedGen C5574922, MONDO:0017990.

Submission:

All of Us Research Program, National Institutes of Health
Classification: Uncertain significance for Catecholaminergic polymorphic ventricular tachycardia. Last evaluated: 2023-11-30. Review status: criteria provided, single submitter. Criteria: ACMG Guidelines, 2015. Collection method: clinical testing. Allele origin: germline. Inheritance: Autosomal dominant inheritance. Observed: 1 variant allele, 1 heterozygote.
Comment: This study involves interpretation of variants in research participants for the purpose of population health screening. Participant phenotype was not available at the time of variant classification. Additional details can be found in publication PMID: 35346344, PMCID: PMC8962531

NM_001035.3(RYR2):c.4799C>G (p.Pro1600Arg)

Gene: RYR2 (ryanodine receptor 2; plus strand). Cytogenetic location: 1q43.
Variant type: single nucleotide variant.
Coding change: c.4799C>G on transcript NM_001035.3 (MANE Select); coding-DNA position 4799, C replaced by G.
Protein change: p.Pro1600Arg; replaces proline 1600 with arginine.
Molecular consequence: missense variant.
Genome position (GRCh38, 1-based): chr1:237,610,877, C>G. VCF-style: chr1-237610877-C-G. GRCh37 (hg19) VCF-style: chr1-237774177-C-G.
Other names: short protein forms P1600R.
Identifiers: ClinVar variation 3073933 (VCV003073933.1), dbSNP rs759952370, ClinGen allele CA345402609.
Genomic context (GRCh38, chr1:237,610,877, plus strand): 5'-CGCAGTGCCCCCCGCGCCTCCACGTGCAGTTCCTGTCACACGTCCTGTGGAGCAGAATGC[C>G]CAACCAGTTTTTGAAGGTAGATGTGTCTCGAATAAGTGAACGCCAAGGCTGGTTGGTGCA-3'
Protein context (NP_001026.2, residues 1590-1610): FLSHVLWSRM[Pro1600Arg]NQFLKVDVSR